The following is an entry in ClinVar:

NM_020949.3(SLC7A14):c.586G>A (p.Ala196Thr)

Genes: SLC7A14 (solute carrier family 7 member 14; minus strand), SLC7A14-AS1 (SLC7A14 antisense RNA 1; plus strand). Cytogenetic location: 3q26.2.
Variant type: single nucleotide variant.
Coding change: c.586G>A on transcript NM_020949.3 (MANE Select); coding-DNA position 586, G replaced by A.
Protein change: p.Ala196Thr; replaces alanine 196 with threonine.
Molecular consequence: missense variant.
Genome position (GRCh38, 1-based): chr3:170,498,840, C>T on the plus strand (G>A on the coding strand, the complement: SLC7A14 is on the minus strand). VCF-style: chr3-170498840-C-T. GRCh37 (hg19) VCF-style: chr3-170216629-C-T.
Other names: short protein forms A196T.
Identifiers: ClinVar variation 848208 (VCV000848208.11), dbSNP rs761119299, ClinGen allele CA2701880.

ClinVar aggregate classification (germline): Conflicting classifications of pathogenicity. Review status: criteria provided, conflicting classifications (1 of 4 stars). 3 submissions from 3 submitters: Uncertain significance (2); Likely benign (1). Last evaluated 2025-08-21.

Conditions:
Retinal dystrophy. Also called: Inherited retinal dystrophy. Identifiers: Orphanet 71862, MedGen C0854723, MeSH D058499, MONDO:0019118, HP:0000556.

Allele frequency attached by ClinVar (database versions not stated): gnomAD 0.00009; ExAC 0.00013; TOPMed 0.00013; gnomAD exomes 0.00014.
gnomAD v4.1: 158 of 1,613,968 alleles (0.0098%); highest among the groups gnomAD compares: East Asian, 0.13%; no homozygotes.

Submissions (3):

Labcorp Genetics (formerly Invitae), Labcorp
Classification: Uncertain significance. Last evaluated: 2025-08-21. Review status: criteria provided, single submitter. Criteria: Invitae Variant Classification Sherloc (09022015). Collection method: clinical testing. Allele origin: germline.
Comment: This sequence change replaces alanine, which is neutral and non-polar, with threonine, which is neutral and polar, at codon 196 of the SLC7A14 protein (p.Ala196Thr). This variant is present in population databases (rs761119299, gnomAD 0.2%), and has an allele count higher than expected for a pathogenic variant. This variant has not been reported in the literature in individuals affected with SLC7A14-related conditions. ClinVar contains an entry for this variant (Variation ID: 848208). An algorithm developed to predict the effect of missense changes on protein structure and function (PolyPhen-2) suggests that this variant is likely to be tolerated. In summary, the available evidence is currently insufficient to determine the role of this variant in disease. Therefore, it has been classified as a Variant of Uncertain Significance.

Blueprint Genetics
Classification: Likely benign. Last evaluated: 2024-09-18. Review status: criteria provided, single submitter. Criteria: ACMG Guidelines, 2015. Collection method: clinical testing. Allele origin: germline.

Dept Of Ophthalmology, Nagoya University
Classification: Uncertain significance for Retinal dystrophy. Last evaluated: 2023-10-01. Review status: criteria provided, single submitter. Criteria: Submitter's publication. Collection method: research. Allele origin: germline. Affected: yes.